The following is an entry in ClinVar:

ClinVar aggregate classification (germline): Uncertain significance (1 of 4 stars; one submission).

Conditions:
Glycogen storage disease type III (GSD3). Also called: Cori disease; FORBES DISEASE. Identifiers: Orphanet 366, MedGen C0017922, MONDO:0009291, OMIM 232400.

Allele frequency attached by ClinVar (database versions not stated): gnomAD 0.00001; ExAC 0.00002; TOPMed 0.00002; ESP Exome Variant Server 0.00008.
gnomAD v4.1: 10 of 1,613,526 alleles (0.00062%); highest among the groups gnomAD compares: South Asian, 0.0022%; no homozygotes.

Submission:

Labcorp Genetics (formerly Invitae), Labcorp
Classification: Uncertain significance for Glycogen storage disease type III. Last evaluated: 2022-05-21. Review status: criteria provided, single submitter. Criteria: Invitae Variant Classification Sherloc (09022015). Collection method: clinical testing. Allele origin: germline.
Comment: This sequence change replaces proline, which is neutral and non-polar, with arginine, which is basic and polar, at codon 548 of the AGL protein (p.Pro548Arg). This variant is present in population databases (rs372776426, gnomAD 0.003%). This variant has not been reported in the literature in individuals affected with AGL-related conditions. Algorithms developed to predict the effect of missense changes on protein structure and function are either unavailable or do not agree on the potential impact of this missense change (SIFT: "Deleterious"; PolyPhen-2: "Probably Damaging"; Align-GVGD: "Class C0"). In summary, the available evidence is currently insufficient to determine the role of this variant in disease. Therefore, it has been classified as a Variant of Uncertain Significance.

NM_000642.3(AGL):c.1643C>G (p.Pro548Arg)

Gene: AGL (amylo-alpha-1,6-glucosidase and 4-alpha-glucanotransferase; plus strand). Cytogenetic location: 1p21.2.
Variant type: single nucleotide variant.
Coding change: c.1643C>G on transcript NM_000642.3 (MANE Select); coding-DNA position 1643, C replaced by G.
Protein change: p.Pro548Arg; replaces proline 548 with arginine.
Molecular consequence: missense variant.
Genome position (GRCh38, 1-based): chr1:99,879,954, C>G. VCF-style: chr1-99879954-C-G. GRCh37 (hg19) VCF-style: chr1-100345510-C-G.
Other names: c.1643C>G, p.Pro548Arg (NM_000028.3, NM_000643.3, NM_000644.3 and 2 more transcripts); c.1595C>G, p.Pro532Arg (NM_000646.3); c.1442C>G, p.Pro481Arg (NM_001425327.1); c.1439C>G, p.Pro480Arg (NM_001425328.1, NM_001425329.1); c.1265C>G, p.Pro422Arg (NM_001425332.1); short protein forms P532R, P548R, P422R, P480R, P481R.
Identifiers: ClinVar variation 2081895 (VCV002081895.1), dbSNP rs372776426, ClinGen allele CA966557.